The following is an entry in ClinVar:

NM_004130.4(GYG1):c.533A>T (p.Asp178Val)

Gene: GYG1 (glycogenin 1; plus strand). Cytogenetic location: 3q24.
Variant type: single nucleotide variant.
Coding change: c.533A>T on transcript NM_004130.4 (MANE Select); coding-DNA position 533, A replaced by T.
Protein change: p.Asp178Val; replaces aspartic acid 178 with valine.
Molecular consequence: missense variant.
Genome position (GRCh38, 1-based): chr3:149,009,327, A>T. VCF-style: chr3-149009327-A-T. GRCh37 (hg19) VCF-style: chr3-148727114-A-T.
Other names: c.533A>T, p.Asp178Val (NM_001184720.2, NM_001184721.2); short protein forms D178V.
Identifiers: ClinVar variation 1376707 (VCV001376707.6), dbSNP rs752987232, ClinGen allele CA354905167.
Genomic context (GRCh38, chr3:149,009,327, plus strand): 5'-TTCTTTTAGGTGGGGACCAAGGCATACTGAACACATTTTTTAGCAGCTGGGCAACAACAG[A>T]TATCAGAAAACACCTGCCGTTTATTTATAACCTAAGCAGCATCTCTATATACTCCTACCT-3'
Protein context (NP_004121.2, residues 168-188): NTFFSSWATT[Asp178Val]IRKHLPFIYN

ClinVar aggregate classification (germline): Uncertain significance (1 of 4 stars; one submission).

Conditions:
Glycogen storage disease XV (GSD15). Also called: GLYCOGENIN DEFICIENCY; GSD XV. Identifiers: Orphanet 263297, MedGen C3150754, MONDO:0013291, OMIM 613507.
Polyglucosan body myopathy type 2. Identifiers: Orphanet 456369, MedGen C4015452, MONDO:0014526, OMIM 616199.

Submission:

Labcorp Genetics (formerly Invitae), Labcorp
Classification: Uncertain significance for Polyglucosan body myopathy type 2; Glycogen storage disease XV. Last evaluated: 2021-08-21. Review status: criteria provided, single submitter. Criteria: Invitae Variant Classification Sherloc (09022015). Collection method: clinical testing. Allele origin: germline.
Comment: In summary, the available evidence is currently insufficient to determine the role of this variant in disease. Therefore, it has been classified as a Variant of Uncertain Significance. Algorithms developed to predict the effect of missense changes on protein structure and function are either unavailable or do not agree on the potential impact of this missense change (SIFT: "Deleterious"; PolyPhen-2: "Possibly Damaging"; Align-GVGD: "Class C0"). This variant has not been reported in the literature in individuals affected with GYG1-related conditions. This variant is not present in population databases (ExAC no frequency). This sequence change replaces aspartic acid with valine at codon 178 of the GYG1 protein (p.Asp178Val). The aspartic acid residue is highly conserved and there is a large physicochemical difference between aspartic acid and valine.